The following is an entry in ClinVar:

NM_005670.4(EPM2A):c.718+19C>G

Gene: EPM2A (EPM2A glucan phosphatase, laforin; minus strand). Cytogenetic location: 6q24.3.
Variant type: single nucleotide variant.
Coding change: c.718+19C>G on transcript NM_005670.4 (MANE Select); 19 bases into the intron after coding-DNA position 718, C replaced by G.
Molecular consequence: intron variant. On other transcripts: missense variant (1).
Genome position (GRCh38, 1-based): chr6:145,635,226, G>C on the plus strand (C>G on the coding strand, the complement: EPM2A is on the minus strand). VCF-style: chr6-145635226-G-C. GRCh37 (hg19) VCF-style: chr6-145956362-G-C.
Other names: c.737C>G, p.Ser246Cys (NM_001368130.1); c.304+19C>G (NM_001360064.2, NM_001368131.1, NM_001360071.2); c.477-7533C>G (NM_001360057.2); c.718+19C>G (NM_001018041.2); c.256+19C>G (NM_001368129.2, NM_001368132.1); short protein forms S246C.
Identifiers: ClinVar variation 377830 (VCV000377830.9), dbSNP rs370750611, ClinGen allele CA4035116.

ClinVar aggregate classification (germline): Benign. Review status: criteria provided, multiple submitters, no conflicts (2 of 4 stars). 2 submissions from 2 submitters: Benign (2). Last evaluated 2026-01-19.

Conditions:
Progressive myoclonic epilepsy. Also called: Myoclonic Epilepsies, Progressive; Familial progressive myoclonic epilepsy; Myoclonus epilepsy; Progressive myoclonus epilepsy. Identifiers: Orphanet 308, Orphanet 98261, MedGen C0751778, MONDO:0020074.

Allele frequency attached by ClinVar (database versions not stated): ESP Exome Variant Server 0.00038; gnomAD 0.00040 and 0.00042; TOPMed 0.00044; 1000 Genomes Project 0.00160; 1000 Genomes Project 30x 0.00187.
gnomAD v4.1: 108 of 1,613,984 alleles (0.0067%); highest among the groups gnomAD compares: African/African-American, 0.13%; 2 homozygotes.

Submissions (2):

Labcorp Genetics (formerly Invitae), Labcorp
Classification: Benign for Progressive myoclonic epilepsy. Last evaluated: 2026-01-19. Review status: criteria provided, single submitter. Criteria: Invitae Variant Classification Sherloc (09022015). Collection method: clinical testing. Allele origin: germline.

GeneDx
Classification: Benign. Last evaluated: 2015-08-07. Review status: criteria provided, single submitter. Criteria: GeneDx Variant Classification (06012015). Collection method: clinical testing. Allele origin: germline. Affected: yes.
Comment: This variant is considered likely benign or benign based on one or more of the following criteria: it is a conservative change, it occurs at a poorly conserved position in the protein, it is predicted to be benign by multiple in silico algorithms, and/or has population frequency not consistent with disease.